The following is an entry in ClinVar:

NM_015662.3(IFT172):c.3713A>C (p.Glu1238Ala)

Genes: IFT172 (intraflagellar transport 172; minus strand), LOC126806173 (BRD4-independent group 4 enhancer GRCh37_chr2:27676057-27677256; plus strand). Cytogenetic location: 2p23.3.
Variant type: single nucleotide variant.
Coding change: c.3713A>C on transcript NM_015662.3 (MANE Select); coding-DNA position 3713, A replaced by C.
Protein change: p.Glu1238Ala; replaces glutamic acid 1238 with alanine.
Molecular consequence: missense variant.
Genome position (GRCh38, 1-based): chr2:27,453,738, T>G on the plus strand (A>C on the coding strand, the complement: IFT172 is on the minus strand). VCF-style: chr2-27453738-T-G. GRCh37 (hg19) VCF-style: chr2-27676605-T-G.
Other names: c.3713A>C (NM_015662.1, NM_015662.2); short protein forms E1238A.
Identifiers: ClinVar variation 1284690 (VCV001284690.13), dbSNP rs553301895, ClinGen allele CA1579880.

ClinVar aggregate classification (germline): Uncertain significance. Review status: criteria provided, multiple submitters, no conflicts (2 of 4 stars). 8 submissions from 8 submitters: Uncertain significance (5). 3 of the submissions do not count toward it. Last evaluated 2026-03-20.

Conditions:
Inborn genetic diseases. Identifiers: MedGen C0950123, MeSH D030342.
Short-rib thoracic dysplasia 10 with or without polydactyly (SRTD10). Identifiers: Orphanet 474, MedGen C3810175, MONDO:0014284, OMIM 615630.
Bardet-Biedl syndrome 20. Identifiers: MedGen C4310707, MONDO:0023670, OMIM 619471, MONDO:0014926.
Retinitis pigmentosa 71 (RP71). Identifiers: Orphanet 791, MedGen C4225342, MONDO:0014618, OMIM 616394.
Retinal dystrophy. Also called: Inherited retinal dystrophy. Identifiers: Orphanet 71862, MedGen C0854723, MeSH D058499, MONDO:0019118, HP:0000556.
IFT172-related disorder. Also called: IFT172-related condition; IFT172-related disorders.

Allele frequency attached by ClinVar (database versions not stated): gnomAD 0.00003 and 0.00004; TOPMed 0.00003; ExAC 0.00005; gnomAD exomes 0.00005 and 0.00006.
gnomAD v4.1: 94 of 1,610,584 alleles (0.0058%); highest among the groups gnomAD compares: Non-Finnish European, 0.0075%; no homozygotes.

Submissions (8):

PreventionGenetics, part of Exact Sciences
Classification: Uncertain significance for IFT172-related condition. Last evaluated: 2026-03-20. Review status: criteria provided, single submitter. Criteria: ACMG Guidelines, 2015. Collection method: clinical testing. Allele origin: germline.
Comment: The IFT172 c.3713A>C variant is predicted to result in the amino acid substitution p.Glu1238Ala. To our knowledge, this variant has not been reported in the literature. This variant is reported in 0.0094% of alleles in individuals of European (Non-Finnish) descent in gnomAD. At this time, the clinical significance of this variant is uncertain due to the absence of conclusive functional and genetic evidence.

GeneDx
Classification: Uncertain significance. Last evaluated: 2024-08-02. Review status: criteria provided, single submitter. Criteria: GeneDx Variant Classification Process June 2021. Collection method: clinical testing. Allele origin: germline. Affected: yes.
Comment: Not observed at significant frequency in large population cohorts (gnomAD); In silico analysis supports that this missense variant has a deleterious effect on protein structure/function; Has not been previously published as pathogenic or benign to our knowledge

Blueprint Genetics
Classification: Uncertain significance. Last evaluated: 2024-05-23. Review status: criteria provided, single submitter. Criteria: ACMG Guidelines, 2015. Collection method: clinical testing. Allele origin: germline.

Fulgent Genetics
Classification: Uncertain significance for Short-rib thoracic dysplasia 10 with or without polydactyly; Retinitis pigmentosa 71; Bardet-Biedl syndrome 20. Last evaluated: 2024-05-09. Review status: criteria provided, single submitter. Criteria: ACMG Guidelines, 2015. Collection method: clinical testing. Allele origin: germline.

Ambry Genetics
Classification: Uncertain significance for Inborn genetic diseases. Last evaluated: 2021-07-14. Review status: criteria provided, single submitter. Criteria: Ambry Variant Classification Scheme 2023. Collection method: clinical testing. Allele origin: germline.

Institute of Human Genetics, Univ. Regensburg, Univ. Regensburg
Classification: Uncertain significance for Retinal dystrophy. Last evaluated: 2020-01-01. Review status: no assertion criteria provided. Criteria: ACMG Guidelines, 2015. Collection method: clinical testing. Allele origin: germline. Affected: yes. Not counted in ClinVar's aggregate classification.

Clinical Genetics DNA and cytogenetics Diagnostics Lab, Erasmus MC, Erasmus Medical Center
Classification: Uncertain significance. Review status: no assertion criteria provided. Collection method: clinical testing. Allele origin: germline. Affected: yes. Study: VKGL Data-share Consensus. Not counted in ClinVar's aggregate classification.

Clinical Genetics, Academic Medical Center
Classification: Uncertain significance. Review status: no assertion criteria provided. Collection method: clinical testing. Allele origin: germline. Affected: yes. Study: VKGL Data-share Consensus. Not counted in ClinVar's aggregate classification.